The following is an entry in ClinVar:

ClinVar aggregate classification (germline): Benign. Review status: criteria provided, multiple submitters, no conflicts (2 of 4 stars). 2 submissions from 2 submitters: Benign (2). Last evaluated 2018-01-12.

Conditions:
Junctional epidermolysis bullosa, non-Herlitz type. Also called: EPIDERMOLYSIS BULLOSA JUNCTIONALIS, DISENTIS TYPE; EPIDERMOLYSIS BULLOSA JUNCTIONALIS, NON-HERLITZ TYPE; EPIDERMOLYSIS BULLOSA JUNCTIONALIS, PROGRESSIVE; EPIDERMOLYSIS BULLOSA JUNCTIONALIS, SEVERE NONLETHAL; Adult junctional epidermolysis bullosa; Epidermolysis bullosa, junctional, non-herlitz type, somatic mosaic revertant. Identifiers: Orphanet 251393, Orphanet 79402, Orphanet 79405, Orphanet 89840, MedGen C0268374, MONDO:0009180, OMIM 226650.

Allele frequency attached by ClinVar (database versions not stated): gnomAD 0.00879 and 0.00953; 1000 Genomes Project 0.00899; TOPMed 0.00979; 1000 Genomes Project 30x 0.00984.
gnomAD v4.1: 2,379 of 1,196,264 alleles (0.2%); highest among the groups gnomAD compares: African/African-American, 3.1%; 36 homozygotes.

Submissions (2):

Illumina Laboratory Services, Illumina
Classification: Benign for Junctional epidermolysis bullosa, non-Herlitz type. Last evaluated: 2018-01-12. Review status: criteria provided, single submitter. Criteria: ICSL Variant Classification Criteria 13 December 2019. Collection method: clinical testing. Allele origin: germline.
Comment: This variant was observed in the ICSL laboratory as part of a predisposition screen in an ostensibly healthy population. It had not been previously curated by ICSL or reported in the Human Gene Mutation Database (HGMD: prior to June 1st, 2018), and was therefore a candidate for classification through an automated scoring system. Utilizing variant allele frequency, disease prevalence and penetrance estimates, and inheritance mode, an automated score was calculated to assess if this variant is too frequent to cause the disease. Based on the score and internal cut-off values, a variant classified as benign is not then subjected to further curation. The score for this variant resulted in a classification of benign for this disease.

Breakthrough Genomics
Classification: Benign. Review status: criteria provided, single submitter. Criteria: ACMG Guidelines, 2015. Collection method: not provided. Allele origin: germline. Inheritance: Autosomal recessive inheritance. Affected: yes.

NM_000494.4(COL17A1):c.*74G>T

Gene: COL17A1 (collagen type XVII alpha 1 chain; minus strand). Cytogenetic location: 10q25.1.
Variant type: single nucleotide variant.
Coding change: c.*74G>T on transcript NM_000494.4 (MANE Select); 74 bases downstream of the stop codon, G replaced by T.
Molecular consequence: 3 prime UTR variant.
Genome position (GRCh38, 1-based): chr10:104,032,161, C>A on the plus strand (G>T on the coding strand, the complement: COL17A1 is on the minus strand). VCF-style: chr10-104032161-C-A. GRCh37 (hg19) VCF-style: chr10-105791919-C-A.
Other names: c.*74G>T (LRG_1249t1).
Identifiers: ClinVar variation 298677 (VCV000298677.6), dbSNP rs12253626, ClinGen allele CA10630879.